The following is an entry in ClinVar:

ClinVar aggregate classification (germline): Pathogenic/Likely pathogenic. Review status: criteria provided, multiple submitters, no conflicts (2 of 4 stars). 2 submissions from 2 submitters: Pathogenic (1); Likely pathogenic (1). Last evaluated 2021-03-22.

Conditions:
Idiopathic Pulmonary Fibrosis. Also called: Idiopathic fibrosing alveolitis, chronic form; idiopathic fibrosing alveolitis. Identifiers: Orphanet 2032, MedGen C1800706, MeSH D054990, MONDO:0800504.
Dyskeratosis congenita, autosomal dominant 2. Identifiers: MedGen C3151443, MONDO:0013521, OMIM 613989.
TERT-related disorder. Also called: TERT-related disorders; TERT-related condition.

Submissions (2):

Labcorp Genetics (formerly Invitae), Labcorp
Classification: Pathogenic for Dyskeratosis congenita, autosomal dominant 2; Idiopathic Pulmonary Fibrosis. Last evaluated: 2021-03-22. Review status: criteria provided, single submitter. Criteria: Invitae Variant Classification Sherloc (09022015). Collection method: clinical testing. Allele origin: germline.
Comment: This sequence change creates a premature translational stop signal (p.Tyr333Thrfs*18) in the TERT gene. It is expected to result in an absent or disrupted protein product. Loss-of-function variants in TERT are known to be pathogenic (PMID: 16247010, 17460043). For these reasons, this variant has been classified as Pathogenic. This variant has not been reported in the literature in individuals with TERT-related conditions. This variant is not present in population databases (ExAC no frequency).

Blueprint Genetics
Classification: Likely pathogenic for TERT-related disorders. Last evaluated: 2020-02-21. Review status: criteria provided, single submitter. Criteria: ACMG Guidelines, 2015. Collection method: clinical testing. Allele origin: germline. Affected: yes. Observed: 1 variant allele.

Literature cited by the submitters: PubMed 16247010 (cited by Labcorp Genetics (formerly Invitae), Labcorp); PubMed 17460043 (cited by Labcorp Genetics (formerly Invitae), Labcorp).

NM_198253.3(TERT):c.996del (p.Tyr333fs)

Gene: TERT (telomerase reverse transcriptase; minus strand). Cytogenetic location: 5p15.33.
Variant type: Deletion.
Coding change: c.996del on transcript NM_198253.3 (MANE Select); coding-DNA position 996, one base deleted (C; older notation c.996delC).
Protein change: p.Tyr333fs; shifts the reading frame from tyrosine 333.
Molecular consequence: frameshift variant. On other transcripts: non-coding transcript variant (2).
Genome position (GRCh38, 1-based): chr5:1,293,890, G deleted on the plus strand (C on the coding strand, the reverse complement: TERT is on the minus strand). VCF-style (leftmost placement, unchanged base first): chr5-1293889-AG-A. GRCh37 (hg19) VCF-style: chr5-1294004-AG-A.
Other names: c.996del, p.Tyr333fs (NM_001193376.3); short protein forms Y333fs.
Identifiers: ClinVar variation 1437767 (VCV001437767.7), dbSNP rs2126686445, ClinGen allele CA2573138412.